The following is an entry in ClinVar:

ClinVar aggregate classification (germline): Likely benign (1 of 4 stars; one submission).

Conditions:
CEDNIK syndrome. Also called: CEREBRAL DYSGENESIS, NEUROPATHY, ICHTHYOSIS, AND PALMOPLANTAR KERATODERMA SYNDROME; Cerebral dysgenesis, neuropathy, ichthyosis, and palmoplantar keratoderma. Identifiers: Orphanet 66631, MedGen C1836033, MONDO:0012290, OMIM 609528.

Allele frequency attached by ClinVar (database versions not stated): TOPMed 0.00052; 1000 Genomes Project 30x 0.00141; 1000 Genomes Project 0.00160; gnomAD 0.00210 and 0.00216; gnomAD exomes 0.00215.
gnomAD v4.1: 833 of 398,524 alleles (0.21%); highest among the groups gnomAD compares: Non-Finnish European, 0.09%; 9 homozygotes.

Submission:

Illumina Laboratory Services, Illumina
Classification: Likely benign for CEDNIK syndrome. Last evaluated: 2018-01-13. Review status: criteria provided, single submitter. Criteria: ICSL Variant Classification Criteria 13 December 2019. Collection method: clinical testing. Allele origin: germline.
Comment: This variant was observed in the ICSL laboratory as part of a predisposition screen in an ostensibly healthy population. It had not been previously curated by ICSL or reported in the Human Gene Mutation Database (HGMD: prior to June 1st, 2018), and was therefore a candidate for classification through an automated scoring system. Utilizing variant allele frequency, disease prevalence and penetrance estimates, and inheritance mode, an automated score was calculated to assess if this variant is too frequent to cause the disease. Based on the score and internal cut-off values, a variant classified as likely benign is not then subjected to further curation. The score for this variant resulted in a classification of likely benign for this disease.

NM_004782.4(SNAP29):c.*2411T>C

Gene: SNAP29 (synaptosome associated protein 29; plus strand). Cytogenetic location: 22q11.21.
Variant type: single nucleotide variant.
Coding change: c.*2411T>C on transcript NM_004782.4 (MANE Select); 2411 bases downstream of the stop codon, T replaced by C.
Molecular consequence: 3 prime UTR variant.
Genome position (GRCh38, 1-based): chr22:20,890,247, T>C. VCF-style: chr22-20890247-T-C. GRCh37 (hg19) VCF-style: chr22-21244535-T-C.
Identifiers: ClinVar variation 340882 (VCV000340882.5), dbSNP rs139989203, ClinGen allele CA10650918.